The following is an entry in ClinVar:

ClinVar aggregate classification (germline): Uncertain significance (1 of 4 stars; one submission).

Conditions:
Microcephaly, normal intelligence and immunodeficiency (NBS). Also called: BERLIN BREAKAGE SYNDROME; Immunodeficiency, microcephaly with normal intelligence; IMMUNODEFICIENCY, MICROCEPHALY, AND CHROMOSOMAL INSTABILITY; SEEMANOVA SYNDROME II; Nijmegen breakage syndrome; Microcephaly with normal intelligence immunodeficiency and lymphoreticular malignancies. Identifiers: Orphanet 647, MedGen C0398791, MONDO:0009623, OMIM 251260.

Submission:

Labcorp Genetics (formerly Invitae), Labcorp
Classification: Uncertain significance for Microcephaly, normal intelligence and immunodeficiency. Last evaluated: 2023-08-08. Review status: criteria provided, single submitter. Criteria: Invitae Variant Classification Sherloc (09022015). Collection method: clinical testing. Allele origin: unknown.
Comment: This variant results in a copy number gain of the genomic region encompassing exon(s) 1-15 of the NBN gene. This region includes the initiator codon of the gene. This copy number gain extends beyond the assayed region for this gene and therefore may encompass additional genes. As the precise location of this event is unknown, it may be in tandem or it may be located elsewhere in the genome. This variant has not been reported in the literature in individuals affected with NBN-related conditions. In summary, the available evidence is currently insufficient to determine the role of this variant in disease. Therefore, it has been classified as a Variant of Uncertain Significance.

NC_000008.10:g.(?_90949244)_(90996789_?)dup

Gene: NBN (nibrin; minus strand). Cytogenetic location: 8q21.3.
Variant type: Duplication.
Identifiers: ClinVar variation 3245499 (VCV003245499.1).